The following is an entry in ClinVar:

NM_173483.4(CYP4F22):c.161G>A (p.Arg54His)

Gene: CYP4F22 (cytochrome P450 family 4 subfamily F member 22; plus strand). Cytogenetic location: 19p13.12.
Variant type: single nucleotide variant.
Coding change: c.161G>A on transcript NM_173483.4 (MANE Select); coding-DNA position 161, G replaced by A.
Protein change: p.Arg54His; replaces arginine 54 with histidine.
Molecular consequence: missense variant.
Genome position (GRCh38, 1-based): chr19:15,525,497, G>A. VCF-style: chr19-15525497-G-A. GRCh37 (hg19) VCF-style: chr19-15636308-G-A.
Other names: short protein forms R54H.
Identifiers: ClinVar variation 2061051 (VCV002061051.4), dbSNP rs139927884, ClinGen allele CA9269472.

ClinVar aggregate classification (germline): Uncertain significance (1 of 4 stars; one submission).

Allele frequency attached by ClinVar (database versions not stated): gnomAD 0.00009; ExAC 0.00017; ESP Exome Variant Server 0.00023.
gnomAD v4.1: 170 of 1,613,192 alleles (0.011%); highest among the groups gnomAD compares: Middle Eastern, 0.016%; no homozygotes.

Submission:

Labcorp Genetics (formerly Invitae), Labcorp
Classification: Uncertain significance. Last evaluated: 2023-05-22. Review status: criteria provided, single submitter. Criteria: Invitae Variant Classification Sherloc (09022015). Collection method: clinical testing. Allele origin: germline.
Comment: This variant is present in population databases (rs139927884, gnomAD 0.03%). This sequence change replaces arginine, which is basic and polar, with histidine, which is basic and polar, at codon 54 of the CYP4F22 protein (p.Arg54His). This variant has not been reported in the literature in individuals affected with CYP4F22-related conditions. In summary, the available evidence is currently insufficient to determine the role of this variant in disease. Therefore, it has been classified as a Variant of Uncertain Significance. Algorithms developed to predict the effect of missense changes on protein structure and function output the following: SIFT: "Not Available"; PolyPhen-2: "Benign"; Align-GVGD: "Not Available". The histidine amino acid residue is found in multiple mammalian species, which suggests that this missense change does not adversely affect protein function. ClinVar contains an entry for this variant (Variation ID: 2061051).